The following is an entry in ClinVar:

NM_001197104.2(KMT2A):c.261_272del (p.Ala89_Ser92del)

Gene: KMT2A (lysine methyltransferase 2A; plus strand). Cytogenetic location: 11q23.3.
Variant type: Deletion.
Coding change: c.261_272del on transcript NM_001197104.2 (MANE Select); coding-DNA positions 261 to 272, 12 bases deleted (GTCCGCCTCGTC).
Protein change: p.Ala89_Ser92del.
Molecular consequence: inframe deletion.
Genome position (GRCh38, 1-based): chr11:118,436,773-118,436,784, GTCCGCCTCGTC deleted; deleting any 12 consecutive bases within chr11:118,436,766-118,436,784 gives the same sequence; the c. name uses the placement nearest the transcript's 3' end. VCF-style (leftmost placement, unchanged base first): chr11-118436765-TCCTCGTCGTCCG-T. GRCh37 (hg19) VCF-style: chr11-118307480-TCCTCGTCGTCCG-T.
Other names: c.261_272del, p.Ala89_Ser92del (NM_001412597.1, NM_005933.4).
Identifiers: ClinVar variation 2997724 (VCV002997724.3), dbSNP rs2497101461, ClinGen allele CA2740093232.

ClinVar aggregate classification (germline): Uncertain significance (1 of 4 stars; one submission).

Submission:

Labcorp Genetics (formerly Invitae), Labcorp
Classification: Uncertain significance. Last evaluated: 2023-10-13. Review status: criteria provided, single submitter. Criteria: Invitae Variant Classification Sherloc (09022015). Collection method: clinical testing. Allele origin: germline.
Comment: This variant, c.261_272del, results in the deletion of 4 amino acid(s) of the KMT2A protein (p.Ala89_Ser92del), but otherwise preserves the integrity of the reading frame. This variant is not present in population databases (gnomAD no frequency). This variant has not been reported in the literature in individuals affected with KMT2A-related conditions. Experimental studies and prediction algorithms are not available or were not evaluated, and the functional significance of this variant is currently unknown. In summary, the available evidence is currently insufficient to determine the role of this variant in disease. Therefore, it has been classified as a Variant of Uncertain Significance.